The following is an entry in ClinVar:

NM_001008537.3(NEXMIF):c.266A>T (p.His89Leu)

Gene: NEXMIF (neurite extension and migration factor; minus strand). Cytogenetic location: Xq13.3.
Variant type: single nucleotide variant.
Coding change: c.266A>T on transcript NM_001008537.3 (MANE Select); coding-DNA position 266, A replaced by T.
Protein change: p.His89Leu; replaces histidine 89 with leucine.
Molecular consequence: missense variant.
Genome position (GRCh38, 1-based): chrX:74,744,291, T>A on the plus strand (A>T on the coding strand, the complement: NEXMIF is on the minus strand). VCF-style: chrX-74744291-T-A. GRCh37 (hg19) VCF-style: chrX-73964126-T-A.
Other names: short protein forms H89L.
Identifiers: ClinVar variation 3044724 (VCV003044724.2), dbSNP rs1369064640, ClinGen allele CA413673965.

ClinVar aggregate classification (germline): Uncertain significance (0 of 4 stars; one submission).

Conditions:
NEXMIF-related disorder. Also called: NEXMIF-related condition.

Submission:

PreventionGenetics, part of Exact Sciences
Classification: Uncertain significance for NEXMIF-related condition. Last evaluated: 2024-01-03. Review status: no assertion criteria provided. Collection method: clinical testing. Allele origin: germline.
Comment: The NEXMIF c.266A>T variant is predicted to result in the amino acid substitution p.His89Leu. To our knowledge, this variant has not been reported in the literature or in a large population database, indicating this variant is rare. At this time, the clinical significance of this variant is uncertain due to the absence of conclusive functional and genetic evidence.